The following is an entry in ClinVar:

ClinVar aggregate classification (germline): Likely benign. Review status: criteria provided, multiple submitters, no conflicts (2 of 4 stars). 3 submissions from 3 submitters: Likely benign (2). 1 of the submissions does not count toward it. Last evaluated 2026-02-01.

Conditions:
RNASEH2C-related disorder. Also called: RNASEH2C-related condition.
Aicardi-Goutieres syndrome 3. Identifiers: Orphanet 51, MedGen C1835916, MONDO:0012471, OMIM 610329.

Allele frequency attached by ClinVar (database versions not stated): ExAC 0.00015; 1000 Genomes Project 30x 0.00031; 1000 Genomes Project 0.00040.
gnomAD v4.1: 86 of 1,614,274 alleles (0.0053%); highest among the groups gnomAD compares: South Asian, 0.091%; no homozygotes.

Submissions (3):

Labcorp Genetics (formerly Invitae), Labcorp
Classification: Likely benign for Aicardi-Goutieres syndrome 3. Last evaluated: 2026-02-01. Review status: criteria provided, single submitter. Criteria: Invitae Variant Classification Sherloc (09022015). Collection method: clinical testing. Allele origin: germline.

Blueprint Genetics
Classification: Likely benign. Last evaluated: 2023-04-06. Review status: criteria provided, single submitter. Criteria: ACMG Guidelines, 2015. Collection method: clinical testing. Allele origin: germline.

PreventionGenetics, part of Exact Sciences
Classification: Likely benign for RNASEH2C-related condition. Last evaluated: 2022-03-16. Review status: no assertion criteria provided. Collection method: clinical testing. Allele origin: germline. Not counted in ClinVar's aggregate classification.
Comment: This variant is classified as likely benign based on ACMG/AMP sequence variant interpretation guidelines (Richards et al. 2015 PMID: 25741868, with internal and published modifications).

NM_032193.4(RNASEH2C):c.349-9C>T

Gene: RNASEH2C (ribonuclease H2 subunit C; minus strand). Cytogenetic location: 11q13.1.
Variant type: single nucleotide variant.
Coding change: c.349-9C>T on transcript NM_032193.4 (MANE Select); 9 bases into the intron before coding-DNA position 349, C replaced by T.
Molecular consequence: intron variant.
Genome position (GRCh38, 1-based): chr11:65,720,173, G>A on the plus strand (C>T on the coding strand, the complement: RNASEH2C is on the minus strand). VCF-style: chr11-65720173-G-A. GRCh37 (hg19) VCF-style: chr11-65487644-G-A.
Identifiers: ClinVar variation 794635 (VCV000794635.13), dbSNP rs535966679, ClinGen allele CA6107708.